The following is an entry in ClinVar:

ClinVar aggregate classification (germline): Uncertain significance (1 of 4 stars; one submission).

Conditions:
Familial cancer of breast. Also called: BREAST CANCER, FAMILIAL; Hereditary breast cancer; hereditary breast carcinoma. Identifiers: Orphanet 227535, MedGen C0346153, MONDO:0016419, OMIM 114480. Disease mechanism: loss of function.

Submission:

Institute of Human Genetics, University of Leipzig Medical Center
Classification: Uncertain significance for Familial cancer of breast. Last evaluated: 2023-04-03. Review status: criteria provided, single submitter. Criteria: ACMG Guidelines, 2015. Collection method: clinical testing. Allele origin: unknown. Affected: yes.
Comment: _x000D_ Criteria applied: PM2_SUP, PP3

NM_000051.4(ATM):c.8441A>G (p.Glu2814Gly)

Genes: ATM (ATM serine/threonine kinase; plus strand), C11orf65 (chromosome 11 open reading frame 65; minus strand). Cytogenetic location: 11q22.3.
Variant type: single nucleotide variant.
Coding change: c.8441A>G on transcript NM_000051.4 (MANE Select); coding-DNA position 8441, A replaced by G.
Protein change: p.Glu2814Gly; replaces glutamic acid 2814 with glycine.
Molecular consequence: missense variant. On other transcripts: intron variant (2).
Genome position (GRCh38, 1-based): chr11:108,345,765, A>G. VCF-style: chr11-108345765-A-G. GRCh37 (hg19) VCF-style: chr11-108216492-A-G.
Other names: c.8441A>G, p.Glu2814Gly (NM_001351834.2); c.641-36694T>C (NM_001330368.2); c.695-10473T>C (NM_001351110.2); short protein forms E2814G.
Identifiers: ClinVar variation 2502355 (VCV002502355.1), dbSNP rs2137025845, ClinGen allele CA382517818.
Genomic context (GRCh38, chr11:108,345,765, plus strand): 5'-AATATTGAAAAATAATTATATATATTCTCTATTTAAAGGAGGTGCAAAAAAAGTCTTTTG[A>G]AGAGAAATATGAAGTCTTCATGGATGTTTGCCAAAATTTTCAACCAGTTTTCCGTTACTT-3'
Protein context (NP_000042.3, residues 2804-2824): KMMEVQKKSF[Glu2814Gly]EKYEVFMDVC